The following is an entry in ClinVar:

ClinVar aggregate classification (germline): Benign/Likely benign. Review status: criteria provided, multiple submitters, no conflicts (2 of 4 stars). 3 submissions from 3 submitters: Benign (1); Likely benign (1). 1 of the submissions does not count toward it. Last evaluated 2025-04-15.

Conditions:
PIEZO1-related disorder. Also called: PIEZO1-related condition; PIEZO1-Related Disorders.

Allele frequency attached by ClinVar (database versions not stated): TOPMed 0.00008; gnomAD exomes 0.00009; gnomAD 0.00013; 1000 Genomes Project 30x 0.00031; ExAC 0.00035; 1000 Genomes Project 0.00040.
gnomAD v4.1: 148 of 1,550,292 alleles (0.0095%); highest among the groups gnomAD compares: South Asian, 0.059%; 3 homozygotes.

Submissions (3):

ARUP Laboratories, Molecular Genetics and Genomics, ARUP Laboratories
Classification: Benign. Last evaluated: 2025-04-15. Review status: criteria provided, single submitter. Criteria: ARUP Molecular Germline Variant Investigation Process 2024. Collection method: clinical testing. Allele origin: germline.

CeGaT Center for Human Genetics Tuebingen
Classification: Likely benign. Last evaluated: 2023-01-01. Review status: criteria provided, single submitter. Criteria: CeGaT Center For Human Genetics Tuebingen Variant Classification Criteria Version 2. Collection method: clinical testing. Allele origin: germline. Affected: yes. Observed: 1 variant allele.
Comment: PIEZO1: BP4, BP7

PreventionGenetics, part of Exact Sciences
Classification: Likely benign for PIEZO1-related condition. Last evaluated: 2023-10-06. Review status: no assertion criteria provided. Collection method: clinical testing. Allele origin: germline. Not counted in ClinVar's aggregate classification.
Comment: This variant is classified as likely benign based on ACMG/AMP sequence variant interpretation guidelines (Richards et al. 2015 PMID: 25741868, with internal and published modifications).

NM_001142864.4(PIEZO1):c.7368C>T (p.Arg2456=)

Gene: PIEZO1 (piezo type mechanosensitive ion channel component 1 (Er blood group); minus strand). Cytogenetic location: 16q24.3.
Variant type: single nucleotide variant.
Coding change: c.7368C>T on transcript NM_001142864.4 (MANE Select); coding-DNA position 7368, C replaced by T.
Protein change: p.Arg2456=; no amino-acid change (arginine 2456 retained).
Molecular consequence: synonymous variant.
Genome position (GRCh38, 1-based): chr16:88,715,803, G>A on the plus strand (C>T on the coding strand, the complement: PIEZO1 is on the minus strand). VCF-style: chr16-88715803-G-A. GRCh37 (hg19) VCF-style: chr16-88782211-G-A.
Other names: c.7368C>T (NM_001142864.3); c.5910C>T, p.Arg1970= (NM_014745.1).
Identifiers: ClinVar variation 2646984 (VCV002646984.27), dbSNP rs111564291, ClinGen allele CA8231333.